The following is an entry in ClinVar:

ClinVar aggregate classification (germline): Uncertain significance (1 of 4 stars; one submission).

Conditions:
Sotos syndrome (SOTOS). Also called: Sotos' syndrome; Distinctive facial appearance, overgrowth in childhood, and learning disabilities or delayed development; CHROMOSOME 5q35 DELETION SYNDROME; CEREBRAL GIGANTISM; SOTOS SYNDROME 1. Identifiers: Orphanet 821, MedGen C0175695, MONDO:0019349, OMIM 117550.

Allele frequency attached by ClinVar (database versions not stated): gnomAD exomes 0.00001.
gnomAD v4.1: 6 of 1,613,974 alleles (0.00037%); highest among the groups gnomAD compares: East Asian, 0.013%; no homozygotes.

Submission:

3billion
Classification: Uncertain significance for Sotos syndrome. Last evaluated: 2022-05-22. Review status: criteria provided, single submitter. Criteria: ACMG Guidelines, 2015. Collection method: clinical testing. Allele origin: germline. Affected: yes. Observed: 1 variant allele, 1 heterozygote.
Comment: The variant is not observed in the gnomAD v2.1.1 dataset. Therefore, this variant is classified as uncertain significanceaccording to the recommendation of ACMG/AMP guideline.

NM_022455.5(NSD1):c.1291T>C (p.Tyr431His)

Gene: NSD1 (nuclear receptor binding SET domain protein 1; plus strand). Cytogenetic location: 5q35.3.
Variant type: single nucleotide variant.
Coding change: c.1291T>C on transcript NM_022455.5 (MANE Select); coding-DNA position 1291, T replaced by C.
Protein change: p.Tyr431His; replaces tyrosine 431 with histidine.
Molecular consequence: missense variant.
Genome position (GRCh38, 1-based): chr5:177,209,690, T>C. VCF-style: chr5-177209690-T-C. GRCh37 (hg19) VCF-style: chr5-176636691-T-C.
Other names: c.418T>C, p.Tyr140His (NM_001365684.2, NM_001409306.1, NM_001409307.1 and 3 more transcripts); c.1291T>C, p.Tyr431His (NM_001409301.1, NM_001409302.1, NM_001409303.1); c.871T>C, p.Tyr291His (NM_001409304.1); c.538T>C, p.Tyr180His (NM_001409305.1); short protein forms Y162H, Y431H, Y291H, Y140H, Y180H.
Identifiers: ClinVar variation 1687447 (VCV001687447.2), dbSNP rs1763178149, ClinGen allele CA362308393.